The following is an entry in ClinVar:

ClinVar aggregate classification (germline): Uncertain significance (1 of 4 stars; one submission).

Submission:

GeneDx
Classification: Uncertain significance. Last evaluated: 2021-08-18. Review status: criteria provided, single submitter. Criteria: GeneDx Variant Classification Process June 2021. Collection method: clinical testing. Allele origin: germline. Affected: yes.
Comment: Not observed at significant frequency in large population cohorts (gnomAD); In silico analysis supports that this missense variant has a deleterious effect on protein structure/function; Has not been previously published as pathogenic or benign to our knowledge

NM_004595.5(SMS):c.746A>G (p.Tyr249Cys)

Gene: SMS (spermine synthase; plus strand). Cytogenetic location: Xp22.11.
Variant type: single nucleotide variant.
Coding change: c.746A>G on transcript NM_004595.5 (MANE Select); coding-DNA position 746, A replaced by G.
Protein change: p.Tyr249Cys; replaces tyrosine 249 with cysteine.
Molecular consequence: missense variant.
Genome position (GRCh38, 1-based): chrX:21,978,962, A>G. VCF-style: chrX-21978962-A-G. GRCh37 (hg19) VCF-style: chrX-21997080-A-G.
Other names: c.587A>G, p.Tyr196Cys (NM_001258423.2); short protein forms Y196C, Y249C.
Identifiers: ClinVar variation 1342113 (VCV001342113.2), dbSNP rs2146948432, ClinGen allele CA412569163.
Genomic context (GRCh38, chrX:21,978,962, plus strand): 5'-GTAAGAAATACATGCGAAAAACGTGTGGCGATGTCTTAGACAATCTTAAAGGAGACTGCT[A>G]TCAGGTAATTGTTTTCTGGATAATGTAGTTTTAAGTGAACTAATAATATAAGTTATTGAT-3'
Protein context (NP_004586.2, residues 239-259): DVLDNLKGDC[Tyr249Cys]QVLIEDCIPV